The following is an entry in ClinVar:

ClinVar aggregate classification (germline): Likely pathogenic (1 of 4 stars; one submission).

gnomAD v4.1: 1 of 1,613,728 alleles (0.000062%); highest among the groups gnomAD compares: Non-Finnish European, 0.000085%; no homozygotes.

Submission:

Labcorp Genetics (formerly Invitae), Labcorp
Classification: Likely pathogenic. Last evaluated: 2024-02-25. Review status: criteria provided, single submitter. Criteria: Invitae Variant Classification Sherloc (09022015). Collection method: clinical testing. Allele origin: germline.
Comment: This sequence change affects a donor splice site in intron 5 of the COQ8B gene. It is expected to disrupt RNA splicing. Variants that disrupt the donor or acceptor splice site typically lead to a loss of protein function (PMID: 16199547), and loss-of-function variants in COQ8B are known to be pathogenic (PMID: 24270420). The frequency data for this variant in the population databases is considered unreliable, as metrics indicate poor data quality at this position in the gnomAD database. Disruption of this splice site has been observed in individual(s) with COQ8B-related conditions (PMID: 35483523). Algorithms developed to predict the effect of sequence changes on RNA splicing suggest that this variant may disrupt the consensus splice site. In summary, the currently available evidence indicates that the variant is pathogenic, but additional data are needed to prove that conclusively. Therefore, this variant has been classified as Likely Pathogenic.

Literature cited by the submitters: PubMed 16199547; PubMed 24270420; PubMed 35483523.

NM_024876.4(COQ8B):c.367+1G>T

Gene: COQ8B (coenzyme Q8B; minus strand). Cytogenetic location: 19q13.2.
Variant type: single nucleotide variant.
Coding change: c.367+1G>T on transcript NM_024876.4 (MANE Select); the canonical splice donor site of the intron after coding-DNA position 367, G replaced by T.
Molecular consequence: splice donor variant.
Genome position (GRCh38, 1-based): chr19:40,710,058, C>A on the plus strand (G>T on the coding strand, the complement: COQ8B is on the minus strand). VCF-style: chr19-40710058-C-A. GRCh37 (hg19) VCF-style: chr19-41215963-C-A.
Other names: c.367+1G>T (NM_001142555.3).
Identifiers: ClinVar variation 3680093 (VCV003680093.2).